The following is an entry in ClinVar:

ClinVar aggregate classification (germline): Uncertain significance. Review status: criteria provided, multiple submitters, no conflicts (2 of 4 stars). 2 submissions from 2 submitters: Uncertain significance (2). Last evaluated 2025-09-03.

Conditions:
RYR1-related disorder. Also called: RYR1-related condition; RYR1-related disorders. Identifiers: MedGen CN239331.

Submissions (2):

Women's Health and Genetics/Laboratory Corporation of America, LabCorp
Classification: Uncertain significance. Last evaluated: 2025-09-03. Review status: criteria provided, single submitter. Criteria: LabCorp Variant Classification Summary - May 2015. Collection method: clinical testing. Allele origin: germline.
Comment: Variant summary: RYR1 c.13339C>G (p.Arg4447Gly) results in a non-conservative amino acid change in the encoded protein sequence. Algorithms developed to predict the effect of missense changes on protein structure and function are either unavailable or do not agree on the potential impact of this missense change. The variant was absent in 19144 control chromosomes. The available data on variant occurrences in the general population are insufficient to allow any conclusion about variant significance. To our knowledge, no occurrence of c.13339C>G in individuals affected with RYR1-related conditions and no experimental evidence demonstrating its impact on protein function have been reported. ClinVar contains an entry for this variant (Variation ID: 1719814). Based on the evidence outlined above, the variant was classified as uncertain significance.

Labcorp Genetics (formerly Invitae), Labcorp
Classification: Uncertain significance for RYR1-related disorder. Last evaluated: 2022-09-23. Review status: criteria provided, single submitter. Criteria: Invitae Variant Classification Sherloc (09022015). Collection method: clinical testing. Allele origin: germline.
Comment: This sequence change replaces arginine, which is basic and polar, with glycine, which is neutral and non-polar, at codon 4447 of the RYR1 protein (p.Arg4447Gly). This variant is not present in population databases (gnomAD no frequency). This variant has not been reported in the literature in individuals affected with RYR1-related conditions. Advanced modeling of protein sequence and biophysical properties (such as structural, functional, and spatial information, amino acid conservation, physicochemical variation, residue mobility, and thermodynamic stability) performed at Invitae indicates that this missense variant is not expected to disrupt RYR1 protein function. In summary, the available evidence is currently insufficient to determine the role of this variant in disease. Therefore, it has been classified as a Variant of Uncertain Significance.

NM_000540.3(RYR1):c.13339C>G (p.Arg4447Gly)

Genes: RYR1 (ryanodine receptor 1; plus strand), LOC130064357 (ATAC-STARR-seq lymphoblastoid silent region 10577; plus strand). Cytogenetic location: 19q13.2.
Variant type: single nucleotide variant.
Coding change: c.13339C>G on transcript NM_000540.3 (MANE Select); coding-DNA position 13339, C replaced by G.
Protein change: p.Arg4447Gly; replaces arginine 4447 with glycine.
Molecular consequence: missense variant.
Genome position (GRCh38, 1-based): chr19:38,565,673, C>G. VCF-style: chr19-38565673-C-G. GRCh37 (hg19) VCF-style: chr19-39056313-C-G.
Other names: c.13324C>G, p.Arg4442Gly (NM_001042723.2); short protein forms R4442G, R4447G.
Identifiers: ClinVar variation 1719814 (VCV001719814.7), dbSNP rs1000804197, ClinGen allele CA405675097.